The following is an entry in ClinVar:

ClinVar aggregate classification (germline): Benign/Likely benign. Review status: criteria provided, single submitter (1 of 4 stars). 2 submissions from 1 submitter: Benign (1); Likely benign (1). Last evaluated 2018-01-12.

Conditions:
Emery-Dreifuss muscular dystrophy 4, autosomal dominant (EDMD4). Also called: EMERY-DREIFUSS MUSCULAR DYSTROPHY 4 WITH VARIABLE FEATURES. Identifiers: Orphanet 261, MedGen C2751807, MONDO:0013071, OMIM 612998.
Autosomal recessive ataxia, Beauce type. Also called: Spinocerebellar ataxia, autosomal recessive 8; SYNE1 Deficiency; ATAXIA, RECESSIVE, OF BEAUCE; SYNE1-Related Autosomal Recessive Cerebellar Ataxia. Identifiers: Orphanet 88644, MedGen C1853116, MONDO:0012549, OMIM 610743.

Allele frequency attached by ClinVar (database versions not stated): gnomAD 0.00066 and 0.00064; TOPMed 0.00069; gnomAD exomes 0.00099; 1000 Genomes Project 0.00060; 1000 Genomes Project 30x 0.00047.
gnomAD v4.1: 1,532 of 1,605,048 alleles (0.095%); highest among the groups gnomAD compares: Middle Eastern, 0.21%; 2 homozygotes.

Submissions (2):

Illumina Laboratory Services, Illumina
Classification: Benign for Emery-Dreifuss muscular dystrophy 4, autosomal dominant. Last evaluated: 2018-01-12. Review status: criteria provided, single submitter. Criteria: ICSL Variant Classification Criteria 13 December 2019. Collection method: clinical testing. Allele origin: germline.
Comment: This variant was observed in the ICSL laboratory as part of a predisposition screen in an ostensibly healthy population. It had not been previously curated by ICSL or reported in the Human Gene Mutation Database (HGMD: prior to June 1st, 2018), and was therefore a candidate for classification through an automated scoring system. Utilizing variant allele frequency, disease prevalence and penetrance estimates, and inheritance mode, an automated score was calculated to assess if this variant is too frequent to cause the disease. Based on the score and internal cut-off values, a variant classified as benign is not then subjected to further curation. The score for this variant resulted in a classification of benign for this disease.

Illumina Laboratory Services, Illumina
Classification: Likely benign for Autosomal recessive ataxia, Beauce type. Last evaluated: 2018-01-12. Review status: criteria provided, single submitter. Criteria: ICSL Variant Classification Criteria 13 December 2019. Collection method: clinical testing. Allele origin: germline.
Comment: This variant was observed in the ICSL laboratory as part of a predisposition screen in an ostensibly healthy population. It had not been previously curated by ICSL or reported in the Human Gene Mutation Database (HGMD: prior to June 1st, 2018), and was therefore a candidate for classification through an automated scoring system. Utilizing variant allele frequency, disease prevalence and penetrance estimates, and inheritance mode, an automated score was calculated to assess if this variant is too frequent to cause the disease. Based on the score and internal cut-off values, a variant classified as likely benign is not then subjected to further curation. The score for this variant resulted in a classification of likely benign for this disease.

NM_182961.4(SYNE1):c.*95C>T

Genes: ESR1 (estrogen receptor 1; plus strand), SYNE1 (spectrin repeat containing nuclear envelope protein 1; minus strand). Cytogenetic location: 6q25.2.
Variant type: single nucleotide variant.
Coding change: c.*95C>T on transcript NM_182961.4 (MANE Select); 95 bases downstream of the stop codon, C replaced by T.
Molecular consequence: 3 prime UTR variant. On other transcripts: intron variant (1).
Genome position (GRCh38, 1-based): chr6:152,122,341, G>A on the plus strand (C>T on the coding strand, the complement: SYNE1 is on the minus strand). VCF-style: chr6-152122341-G-A. GRCh37 (hg19) VCF-style: chr6-152443476-G-A.
Other names: c.*300C>T (NM_001347701.2); c.*95C>T (NM_001347702.2, NM_033071.5); c.851-2925G>A (NM_001328100.2).
Identifiers: ClinVar variation 355806 (VCV000355806.7), dbSNP rs139397787, ClinGen allele CA10621665.
Genomic context (GRCh38, chr6:152,122,341, plus strand): 5'-GCCATAATTTGCACACATGTGATCTGGAGGAGGGCTAAAGCTGCCACACCGAGGGCTTTC[G>A]CCAAGATCAAGGTCCTCTTGTTGGTAGTTTGGGATTGCTTATGACCCGATCCTCCTTATG-3'